The following is an entry in ClinVar:

ClinVar aggregate classification (germline): Uncertain significance. Review status: criteria provided, multiple submitters, no conflicts (2 of 4 stars). 2 submissions from 2 submitters: Uncertain significance (2). Last evaluated 2024-12-24.

Conditions:
Inborn genetic diseases. Identifiers: MedGen C0950123, MeSH D030342.

Submissions (2):

Labcorp Genetics (formerly Invitae), Labcorp
Classification: Uncertain significance. Last evaluated: 2024-12-24. Review status: criteria provided, single submitter. Criteria: Invitae Variant Classification Sherloc (09022015). Collection method: clinical testing. Allele origin: germline.
Comment: This variant, c.5373_5378del, results in the deletion of 2 amino acid(s) of the CCDC88C protein (p.His1792_Ala1793del), but otherwise preserves the integrity of the reading frame. This variant is present in population databases (rs774716005, gnomAD 0.09%). This variant has not been reported in the literature in individuals affected with CCDC88C-related conditions. ClinVar contains an entry for this variant (Variation ID: 2043570). Experimental studies and prediction algorithms are not available or were not evaluated, and the functional significance of this variant is currently unknown. In summary, the available evidence is currently insufficient to determine the role of this variant in disease. Therefore, it has been classified as a Variant of Uncertain Significance.

Ambry Genetics
Classification: Uncertain significance for Inborn genetic diseases. Last evaluated: 2023-12-26. Review status: criteria provided, single submitter. Criteria: Ambry Variant Classification Scheme 2023. Collection method: clinical testing. Allele origin: germline.
Comment: The c.5373_5378delCCATGC (p.H1792_A1793del) alteration is located in exon 30 (coding exon 30) of the CCDC88C gene. This alteration consists of an in-frame deletion of 6 nucleotides between nucleotide positions c.5373 and c.5378, resulting in the deletion of 2 residues. Based on insufficient or conflicting evidence, the clinical significance of this alteration remains unclear.

NM_001080414.4(CCDC88C):c.5373_5378del (p.His1792_Ala1793del)

Gene: CCDC88C (coiled-coil domain containing 88C; minus strand). Cytogenetic location: 14q32.11.
Variant type: Deletion.
Coding change: c.5373_5378del on transcript NM_001080414.4 (MANE Select); coding-DNA positions 5373 to 5378, 6 bases deleted (CCATGC; older notation c.5373_5378delCCATGC).
Protein change: p.His1792_Ala1793del.
Molecular consequence: inframe deletion.
Genome position (GRCh38, 1-based): chr14:91,273,334-91,273,339, GCATGG deleted on the plus strand (CCATGC on the coding strand, the reverse complement: CCDC88C is on the minus strand); deleting any 6 consecutive bases within chr14:91,273,334-91,273,340 gives the same sequence; the c. name uses the placement nearest the transcript's 3' end. VCF-style (leftmost placement, unchanged base first): chr14-91273333-TGCATGG-T. GRCh37 (hg19) VCF-style: chr14-91739677-TGCATGG-T.
Other names: c.5373_5378delCCATGC (NM_001080414.3).
Identifiers: ClinVar variation 2043570 (VCV002043570.3), dbSNP rs774716005, ClinGen allele CA7308662.